The following is an entry in ClinVar:

ClinVar aggregate classification (germline): Uncertain significance. Review status: criteria provided, multiple submitters, no conflicts (2 of 4 stars). 10 submissions from 10 submitters: Uncertain significance (10). Last evaluated 2026-01-27.

Conditions:
Alzheimer disease type 1 (AD1). Also called: ALZHEIMER DISEASE, FAMILIAL, 1; ALZHEIMER DISEASE, FAMILIAL, 1, AUTOSOMAL RECESSIVE. Identifiers: MedGen C1863052, MONDO:0007088, OMIM 104300.
Familial porphyria cutanea tarda (PCT). Also called: PCT, TYPE II; PORPHYRIA CUTANEA TARDA, TYPE II; PORPHYRIA, HEPATOCUTANEOUS TYPE; UROD DEFICIENCY; UROPORPHYRINOGEN DECARBOXYLASE DEFICIENCY; PCT, ''FAMILIAL'' TYPE. Identifiers: Orphanet 101330, Orphanet 443062, MedGen C0268323, MONDO:0008296, OMIM 176100.
Hemochromatosis type 1 (HFE1). Also called: HFE-Associated Hereditary Hemochromatosis; HFE-Related Hemochromatosis. Identifiers: Orphanet 465508, MedGen C3469186, MONDO:0021001, OMIM 235200. Disease mechanism: loss of function.
TRANSFERRIN SERUM LEVEL QUANTITATIVE TRAIT LOCUS 2 (TFQTL2). Identifiers: MedGen C3280096, OMIM 614193.
Variegate porphyria (VP). Also called: PPOX DEFICIENCY; PORPHYRIA, SOUTH AFRICAN TYPE; PROTOPORPHYRINOGEN OXIDASE DEFICIENCY. Identifiers: Orphanet 79473, MedGen C0162532, MONDO:0008297, OMIM 176200.
Microvascular complications of diabetes, susceptibility to, 7. Identifiers: MedGen C2673520, MONDO:0012971, OMIM 612635.
Hereditary hemochromatosis (HFE). Identifiers: MedGen C0392514, MONDO:0006507. Disease mechanism: loss of function.

Allele frequency attached by ClinVar (database versions not stated): 1000 Genomes Project 30x 0.00016; 1000 Genomes Project 0.00020; TOPMed 0.00027; ESP Exome Variant Server 0.00031; ExAC 0.00039; gnomAD exomes 0.00045; gnomAD 0.00102.

Submissions (10):

GeneDx
Classification: Uncertain significance. Last evaluated: 2026-01-27. Review status: criteria provided, single submitter. Criteria: GeneDx Variant Classification Process June 2021. Collection method: clinical testing. Allele origin: germline. Affected: yes.
Comment: Identified in individuals with hereditary hemochromatosis; however, all reported individuals also harbored other variants in the HFE gene and it remains unclear whether this variant is sufficient to cause disease (PMID: 10953950, 12537660, 12681966, 15477198, 19214108, 19787796); Identified in a patient with hyperferritinemia and analyses suggested this variant was in cis with the p.(His63Asp) variant (PMID: 29084376); In silico analysis suggests that this missense variant does not alter protein structure/function; This variant is associated with the following publications: (PMID: 12870733, 12681966, 15477198, 12537660, 12952143, 15025725, 19214108, 19787796, 29590070, 34426522, 10953950, 19759876, 29084376, 23881933)

Mayo Clinic Laboratories, Mayo Clinic
Classification: Uncertain significance. Last evaluated: 2025-05-20. Review status: criteria provided, single submitter. Criteria: ACMG Guidelines, 2015. Collection method: clinical testing. Allele origin: germline. Observed: 3 variant alleles.
Comment: BP4

Center for Genomic Medicine, Rigshospitalet, Copenhagen University Hospital
Classification: Uncertain significance. Last evaluated: 2025-03-04. Review status: criteria provided, single submitter. Criteria: ACMG Guidelines, 2015. Collection method: clinical testing. Allele origin: germline.
Comment: Classification criteria: BP4

Labcorp Genetics (formerly Invitae), Labcorp
Classification: Uncertain significance for Hereditary hemochromatosis. Last evaluated: 2025-01-27. Review status: criteria provided, single submitter. Criteria: Invitae Variant Classification Sherloc (09022015). Collection method: clinical testing. Allele origin: germline.
Comment: This sequence change replaces glutamic acid, which is acidic and polar, with glutamine, which is neutral and polar, at codon 168 of the HFE protein (p.Glu168Gln). This variant is present in population databases (rs146519482, gnomAD 0.1%), and has an allele count higher than expected for a pathogenic variant. This missense change has been observed in individual(s) with hemochromatosis (PMID: 10953950, 12681966, 15025725, 15477198, 19214108, 19787796). ClinVar contains an entry for this variant (Variation ID: 222651). Invitae Evidence Modeling of protein sequence and biophysical properties (such as structural, functional, and spatial information, amino acid conservation, physicochemical variation, residue mobility, and thermodynamic stability) indicates that this missense variant is not expected to disrupt HFE protein function with a negative predictive value of 80%. In summary, the available evidence is currently insufficient to determine the role of this variant in disease. Therefore, it has been classified as a Variant of Uncertain Significance.

Blueprint Genetics
Classification: Uncertain significance. Last evaluated: 2024-11-21. Review status: criteria provided, single submitter. Criteria: ACMG Guidelines, 2015. Collection method: clinical testing. Allele origin: germline.

CeGaT Center for Human Genetics Tuebingen
Classification: Uncertain significance. Last evaluated: 2023-03-01. Review status: criteria provided, single submitter. Criteria: CeGaT Center For Human Genetics Tuebingen Variant Classification Criteria Version 2. Collection method: clinical testing. Allele origin: germline. Affected: yes. Observed: 2 variant alleles.
Comment: HFE: PM2, BP4

Genome-Nilou Lab
Classification: Uncertain significance for Hemochromatosis type 1. Last evaluated: 2023-02-08. Review status: criteria provided, single submitter. Criteria: ACMG Guidelines, 2015. Collection method: clinical testing. Allele origin: germline.

Fulgent Genetics
Classification: Uncertain significance for Alzheimer disease type 1; Familial porphyria cutanea tarda; Variegate porphyria; Hemochromatosis type 1; Microvascular complications of diabetes, susceptibility to, 7; TRANSFERRIN SERUM LEVEL QUANTITATIVE TRAIT LOCUS 2. Last evaluated: 2021-11-22. Review status: criteria provided, single submitter. Criteria: ACMG Guidelines, 2015. Collection method: clinical testing. Allele origin: unknown.

Center for Precision Medicine, Vanderbilt University Medical Center
Classification: Uncertain significance for Hemochromatosis type 1. Last evaluated: 2018-03-16. Review status: criteria provided, single submitter. Criteria: ACMG Guidelines, 2015. Collection method: research. Allele origin: germline. Inheritance: Autosomal recessive inheritance. Affected: yes. Observed: 40 variant alleles, 40 heterozygotes. Clinical features observed: cardiac dysrhythmias, pleurisy, congestive heart failure, cardiomyopathy, cardiomegaly, ascites (nonmalignant), splenomegaly, cirrhosis of liver without mention of alcohol, type 2 diabetes, osteoporosis, elevated transaminase or LDH, alopecia, and 10 more.

Illumina Laboratory Services, Illumina
Classification: Uncertain significance for Hemochromatosis type 1. Last evaluated: 2017-04-27. Review status: criteria provided, single submitter. Criteria: ICSL Variant Classification Criteria 13 December 2019. Collection method: clinical testing. Allele origin: germline.
Comment: This variant was observed as part of a predisposition screen in an ostensibly healthy population. A literature search was performed for the gene, cDNA change, and amino acid change (where applicable). Publications were found based on this search. However, the evidence from the literature, in combination with allele frequency data from public databases where available, was not sufficient to rule this variant in or out of causing disease. Therefore, this variant is classified as a variant of unknown significance.

Literature cited by the submitters: PubMed 10953950 (cited by 3 submitters); PubMed 12537660 (cited by Mayo Clinic Laboratories, Mayo Clinic and Illumina Laboratory Services, Illumina); PubMed 12681966 (cited by 3 submitters); PubMed 12952143 (cited by Mayo Clinic Laboratories, Mayo Clinic and Illumina Laboratory Services, Illumina); PubMed 15025725 (cited by 3 submitters); PubMed 15477198 (cited by 3 submitters); PubMed 19214108 (cited by 3 submitters); PubMed 19759876 (cited by Mayo Clinic Laboratories, Mayo Clinic and Illumina Laboratory Services, Illumina); PubMed 19787796 (cited by 3 submitters); PubMed 21228038 (cited by Mayo Clinic Laboratories, Mayo Clinic and Center for Genomic Medicine, Rigshospitalet, Copenhagen University Hospital); PubMed 26456104 (cited by Mayo Clinic Laboratories, Mayo Clinic); PubMed 29084376 (cited by Mayo Clinic Laboratories, Mayo Clinic and Center for Genomic Medicine, Rigshospitalet, Copenhagen University Hospital); PubMed 29590070 (cited by Mayo Clinic Laboratories, Mayo Clinic); PubMed 34426522 (cited by Mayo Clinic Laboratories, Mayo Clinic); PubMed 35895739 (cited by Mayo Clinic Laboratories, Mayo Clinic); PubMed 36096187 (cited by Mayo Clinic Laboratories, Mayo Clinic); PubMed 38980801 (cited by Mayo Clinic Laboratories, Mayo Clinic).

NM_000410.4(HFE):c.502G>C (p.Glu168Gln)

Gene: HFE (homeostatic iron regulator; plus strand). Cytogenetic location: 6p22.2.
Variant type: single nucleotide variant.
Coding change: c.502G>C on transcript NM_000410.4 (MANE Select); coding-DNA position 502, G replaced by C.
Protein change: p.Glu168Gln; replaces glutamic acid 168 with glutamine.
Molecular consequence: missense variant. On other transcripts: intron variant (4).
Genome position (GRCh38, 1-based): chr6:26,091,475, G>C. VCF-style: chr6-26091475-G-C. GRCh37 (hg19) VCF-style: chr6-26091703-G-C.
Other names: p.Glu168Gln; c.502G>C, p.Glu168Gln (NM_001300749.3, NM_001384164.1, NM_001406751.1 and 1 more transcripts); c.238G>C, p.Glu80Gln (NM_001406752.1, NM_139007.3, NM_139008.3); c.433G>C, p.Glu145Gln (NM_139009.3); c.340+371G>C (NM_139004.3, NM_139003.3); c.77-1210G>C (NM_139010.3); c.77-1644G>C (NM_139011.3); short protein forms E168Q, E80Q, E145Q.
Identifiers: ClinVar variation 222651 (VCV000222651.63), dbSNP rs146519482, ClinGen allele CA354214.